The following is an entry in ClinVar:

ClinVar aggregate classification (germline): Pathogenic/Likely pathogenic. Review status: criteria provided, multiple submitters, no conflicts (2 of 4 stars). 5 submissions from 5 submitters: Pathogenic (2); Likely pathogenic (2). 1 of the submissions does not count toward it. Last evaluated 2025-02-01.

Conditions:
GNE myopathy (NM). Also called: INCLUSION BODY MYOPATHY, HEREDITARY, AUTOSOMAL RECESSIVE; INCLUSION BODY MYOPATHY 2, AUTOSOMAL RECESSIVE; NONAKA DISTAL MYOPATHY; MYOPATHY, DISTAL, WITH OR WITHOUT RIMMED VACUOLES; IBM 2; Inclusion body myopathy autosomal recessive. Identifiers: Orphanet 602, MedGen C1853926, MONDO:0011603, OMIM 605820.
GNE-related disorders.
Sialuria. Also called: SIALURIA, FRENCH TYPE; Sialic Acid Storage Disease. Identifiers: Orphanet 3166, MedGen C0342853, MONDO:0010028, OMIM 269921.

Submissions (5):

CeGaT Center for Human Genetics Tuebingen
Classification: Pathogenic. Last evaluated: 2025-02-01. Review status: criteria provided, single submitter. Criteria: CeGaT Center For Human Genetics Tuebingen Variant Classification Criteria Version 2. Collection method: clinical testing. Allele origin: germline. Affected: yes. Observed: 1 variant allele.
Comment: GNE: PVS1, PM2

Baylor Genetics
Classification: Likely pathogenic for GNE myopathy. Last evaluated: 2023-11-07. Review status: criteria provided, single submitter. Criteria: ACMG Guidelines, 2015. Collection method: clinical testing. Allele origin: unknown.

Labcorp Genetics (formerly Invitae), Labcorp
Classification: Pathogenic for Sialuria; GNE myopathy. Last evaluated: 2023-07-25. Review status: criteria provided, single submitter. Criteria: Invitae Variant Classification Sherloc (09022015). Collection method: clinical testing. Allele origin: germline.
Comment: For these reasons, this variant has been classified as Pathogenic. ClinVar contains an entry for this variant (Variation ID: 371049). This variant has not been reported in the literature in individuals affected with GNE-related conditions. This variant is present in population databases (no rsID available, gnomAD 0.0009%). This sequence change creates a premature translational stop signal (p.Ser504Profs*6) in the GNE gene. It is expected to result in an absent or disrupted protein product. Loss-of-function variants in GNE are known to be pathogenic (PMID: 24027297).

Blueprint Genetics
Classification: Likely pathogenic for GNE-related disorders. Last evaluated: 2020-07-08. Review status: criteria provided, single submitter. Criteria: ACMG Guidelines, 2015. Collection method: clinical testing. Allele origin: germline. Affected: yes. Observed: 1 variant allele.

Counsyl
Classification: Likely pathogenic for GNE myopathy. Last evaluated: 2016-06-14. Review status: no assertion criteria provided. Collection method: clinical testing. Allele origin: unknown. Not counted in ClinVar's aggregate classification.

Literature cited by the submitters: PubMed 24027297 (cited by Labcorp Genetics (formerly Invitae), Labcorp).

NM_005476.7(GNE):c.1417del (p.Ser473fs)

Gene: GNE (glucosamine (UDP-N-acetyl)-2-epimerase/N-acetylmannosamine kinase; minus strand). Cytogenetic location: 9p13.3.
Variant type: Deletion.
Coding change: c.1417del on transcript NM_005476.7 (MANE Select); coding-DNA position 1417, one base deleted (T; older notation c.1417delT).
Protein change: p.Ser473fs; shifts the reading frame from serine 473.
Molecular consequence: frameshift variant. On other transcripts: intron variant (1).
Genome position (GRCh38, 1-based): chr9:36,222,993, A deleted on the plus strand (T on the coding strand, the reverse complement: GNE is on the minus strand); the first of 3 consecutive A bases (chr9:36,222,993-36,222,995); deleting any one gives the same sequence. VCF-style (leftmost placement, unchanged base first): chr9-36222992-GA-G. GRCh37 (hg19) VCF-style: chr9-36222989-GA-G.
Other names: c.1510del, p.Ser504fs (NM_001128227.3); c.1087del, p.Ser363fs (NM_001190384.3); c.1240del, p.Ser414fs (NM_001190388.2, NM_001374798.1); c.1264del, p.Ser422fs (NM_001374797.1); c.1411+380del (NM_001190383.3); c.1510delT (NM_001128227.2); c.1510del (NM_001128227.2); short protein forms S363fs, S473fs, S504fs, S422fs, S414fs.
Identifiers: ClinVar variation 371049 (VCV000371049.21), dbSNP rs1057516965, ClinGen allele CA16041313.